The following is an entry in ClinVar:

ClinVar aggregate classification (germline): Benign/Likely benign. Review status: criteria provided, multiple submitters, no conflicts (2 of 4 stars). 5 submissions from 5 submitters: Benign (3); Likely benign (2). Last evaluated 2026-01-26.

Conditions:
Autoimmune interstitial lung disease-arthritis syndrome. Also called: Autoinflammation and autoimmunity, systemic, with immune dysregulation. Identifiers: Orphanet 444092, MedGen C5975714, MONDO:0014629.

Allele frequency attached by ClinVar (database versions not stated): TOPMed 0.00041; gnomAD 0.00066 and 0.00080; ESP Exome Variant Server 0.00077; gnomAD exomes 0.00077 and 0.00132; 1000 Genomes Project 30x 0.00109; 1000 Genomes Project 0.00120; ExAC 0.00138.
gnomAD v4.1: 1,248 of 1,614,028 alleles (0.077%); highest among the groups gnomAD compares: Middle Eastern, 0.58%; 11 homozygotes.

Submissions (5):

Labcorp Genetics (formerly Invitae), Labcorp
Classification: Benign for Autoimmune interstitial lung disease-arthritis syndrome. Last evaluated: 2026-01-26. Review status: criteria provided, single submitter. Criteria: Invitae Variant Classification Sherloc (09022015). Collection method: clinical testing. Allele origin: germline.

Women's Health and Genetics/Laboratory Corporation of America, LabCorp
Classification: Benign. Last evaluated: 2026-01-06. Review status: criteria provided, single submitter. Criteria: LabCorp Variant Classification Summary - May 2015. Collection method: clinical testing. Allele origin: germline.

Blueprint Genetics
Classification: Likely benign. Last evaluated: 2024-11-13. Review status: criteria provided, single submitter. Criteria: ACMG Guidelines, 2015. Collection method: clinical testing. Allele origin: germline.

CeGaT Center for Human Genetics Tuebingen
Classification: Likely benign. Last evaluated: 2022-11-01. Review status: criteria provided, single submitter. Criteria: CeGaT Center For Human Genetics Tuebingen Variant Classification Criteria Version 2. Collection method: clinical testing. Allele origin: germline. Affected: yes. Observed: 1 variant allele.
Comment: COPA: BP4, BP7

Breakthrough Genomics
Classification: Benign. Review status: criteria provided, single submitter. Criteria: ACMG Guidelines, 2015. Collection method: not provided. Allele origin: germline. Inheritance: Autosomal dominant inheritance. Affected: yes.

NM_004371.4(COPA):c.2904A>C (p.Thr968=)

Gene: COPA (coat protein complex I subunit alpha; minus strand). Cytogenetic location: 1q23.2.
Variant type: single nucleotide variant.
Coding change: c.2904A>C on transcript NM_004371.4 (MANE Select); coding-DNA position 2904, A replaced by C.
Protein change: p.Thr968=; no amino-acid change (threonine 968 retained).
Molecular consequence: synonymous variant.
Genome position (GRCh38, 1-based): chr1:160,292,540, T>G on the plus strand (A>C on the coding strand, the complement: COPA is on the minus strand). VCF-style: chr1-160292540-T-G. GRCh37 (hg19) VCF-style: chr1-160262330-T-G.
Other names: c.2931A>C, p.Thr977= (NM_001098398.2).
Identifiers: ClinVar variation 712891 (VCV000712891.37), dbSNP rs144262564, ClinGen allele CA1197743.